The following is an entry in ClinVar:

NM_004082.5(DCTN1):c.1997C>T (p.Thr666Met)

Gene: DCTN1 (dynactin subunit 1; minus strand). Cytogenetic location: 2p13.1.
Variant type: single nucleotide variant.
Coding change: c.1997C>T on transcript NM_004082.5 (MANE Select); coding-DNA position 1997, C replaced by T.
Protein change: p.Thr666Met; replaces threonine 666 with methionine.
Molecular consequence: missense variant. On other transcripts: non-coding transcript variant (1).
Genome position (GRCh38, 1-based): chr2:74,367,989, G>A on the plus strand (C>T on the coding strand, the complement: DCTN1 is on the minus strand). VCF-style: chr2-74367989-G-A. GRCh37 (hg19) VCF-style: chr2-74595116-G-A.
Other names: c.1937C>T, p.Thr646Met (NM_001135040.3); c.1595C>T, p.Thr532Met (NM_001135041.3, NM_023019.4); c.1886C>T, p.Thr629Met (NM_001190836.2); c.1976C>T, p.Thr659Met (NM_001190837.2); c.1946C>T, p.Thr649Met (NM_001378991.1); c.1928C>T, p.Thr643Met (NM_001378992.1); short protein forms T666M, T532M, T629M, T646M, T659M, T643M, T649M.
Identifiers: ClinVar variation 567916 (VCV000567916.20), dbSNP rs143914684, ClinGen allele CA1721993.
Genomic context (GRCh38, chr2:74,367,989, plus strand): 5'-CTGGACCCCCACCCTGGGGTGAGGGAGTCAGGAGTCACTTACTGCTCATAGCGGTGTAGC[G>A]TGGCCTGCAGCAGGCTCAGCGAGTACACCAGTCCAGCAGCAAAGCTGAGTTGCTCCCCAG-3'
Protein context (NP_004073.2, residues 656-676): LVYSLSLLQA[Thr666Met]LHRYEHALSQ

ClinVar aggregate classification (germline): Conflicting classifications of pathogenicity. Review status: criteria provided, conflicting classifications (1 of 4 stars). 6 submissions from 6 submitters: Uncertain significance (3); Likely benign (3). Last evaluated 2026-09-11.

Conditions:
Inborn genetic diseases. Identifiers: MedGen C0950123, MeSH D030342.
Neuronopathy, distal hereditary motor, type 7B. Also called: NEURONOPATHY, DISTAL HEREDITARY MOTOR, AUTOSOMAL DOMINANT 14; NEURONOPATHY, DISTAL HEREDITARY MOTOR, HARDING TYPE VIIB; NEUROPATHY, DISTAL HEREDITARY MOTOR, HARDING TYPE VIIB; NEUROPATHY, DISTAL HEREDITARY MOTOR, WITH VOCAL CORD PARALYSIS, HARDING TYPE VIIB; HMN VIIB; Distal Hereditary Motor Neuronopathy Type 7B (dHMN7B). Identifiers: Orphanet 139589, MedGen C1843315, MONDO:0011879, OMIM 607641.
Perry syndrome. Also called: PARKINSONISM WITH ALVEOLAR HYPOVENTILATION AND MENTAL DEPRESSION. Identifiers: Orphanet 178509, MedGen C1868594, MONDO:0008201, OMIM 168605.
Amyotrophic lateral sclerosis type 1 (ALS1). Also called: AMYOTROPHIC LATERAL SCLEROSIS 1, FAMILIAL. Identifiers: Orphanet 803, MedGen C1862939, MONDO:0007103, OMIM 105400.
DCTN1-related disorder. Also called: DCTN1-related condition.

Allele frequency attached by ClinVar (database versions not stated): ExAC 0.00006; gnomAD exomes 0.00009; gnomAD 0.00010; TOPMed 0.00011; ESP Exome Variant Server 0.00015.
gnomAD v4.1: 231 of 1,614,106 alleles (0.014%); highest among the groups gnomAD compares: Non-Finnish European, 0.017%; no homozygotes.

Submissions (6):

PreventionGenetics, part of Exact Sciences
Classification: Uncertain significance for DCTN1-related condition. Last evaluated: 2026-09-11. Review status: criteria provided, single submitter. Criteria: ACMG Guidelines, 2015. Collection method: clinical testing. Allele origin: germline.
Comment: The DCTN1 c.1997C>T variant is predicted to result in the amino acid substitution p.Thr666Met. To our knowledge, this variant has not been reported in the literature. This variant is reported in 0.016% of alleles in individuals of African descent in gnomAD. At this time, the clinical significance of this variant is uncertain due to the absence of conclusive functional and genetic evidence.

Labcorp Genetics (formerly Invitae), Labcorp
Classification: Uncertain significance for Amyotrophic lateral sclerosis type 1; Neuronopathy, distal hereditary motor, type 7B; Perry syndrome. Last evaluated: 2025-12-12. Review status: criteria provided, single submitter. Criteria: Invitae Variant Classification Sherloc (09022015). Collection method: clinical testing. Allele origin: germline.
Comment: This sequence change replaces threonine, which is neutral and polar, with methionine, which is neutral and non-polar, at codon 666 of the DCTN1 protein (p.Thr666Met). This variant is present in population databases (rs143914684, gnomAD 0.01%). This variant has not been reported in the literature in individuals affected with DCTN1-related conditions. ClinVar contains an entry for this variant (Variation ID: 567916). Invitae Evidence Modeling of protein sequence and biophysical properties (such as structural, functional, and spatial information, amino acid conservation, physicochemical variation, residue mobility, and thermodynamic stability) indicates that this missense variant is not expected to disrupt DCTN1 protein function with a negative predictive value of 95%. In summary, the available evidence is currently insufficient to determine the role of this variant in disease. Therefore, it has been classified as a Variant of Uncertain Significance.

Blueprint Genetics
Classification: Likely benign. Last evaluated: 2023-11-09. Review status: criteria provided, single submitter. Criteria: ACMG Guidelines, 2015. Collection method: clinical testing. Allele origin: germline.

Ambry Genetics
Classification: Likely benign for Inborn genetic diseases. Last evaluated: 2021-07-14. Review status: criteria provided, single submitter. Criteria: Ambry Variant Classification Scheme 2023. Collection method: clinical testing. Allele origin: germline.

GeneDx
Classification: Likely benign. Last evaluated: 2021-05-24. Review status: criteria provided, single submitter. Criteria: GeneDx Variant Classification Process June 2021. Collection method: clinical testing. Allele origin: germline. Affected: yes.

Revvity Omics, Revvity
Classification: Uncertain significance. Last evaluated: 2021-04-10. Review status: criteria provided, single submitter. Criteria: ACMG Guidelines, 2015. Collection method: clinical testing. Allele origin: germline.